The following is an entry in ClinVar:

ClinVar aggregate classification (germline): Likely pathogenic (1 of 4 stars; one submission).

Conditions:
Renal-hepatic-pancreatic dysplasia 2 (RHPD2). Identifiers: MedGen C3809434, MONDO:0014174, OMIM 615415.

Submission:

Juno Genomics, Hangzhou Juno Genomics, Inc
Classification: Likely pathogenic for Renal-hepatic-pancreatic dysplasia 2. Review status: criteria provided, single submitter. Criteria: ACMG Guidelines, 2015. Collection method: clinical testing. Allele origin: germline.
Comment: Null variant in a gene where loss of function (LOF) is a known mechanism of disease.;Absent from controls (or at extremely low frequency if recessive) in Genome Aggregation Database.

NM_178170.3(NEK8):c.1480G>T (p.Gly494Ter)

Gene: NEK8 (NIMA related kinase 8; plus strand). Cytogenetic location: 17q11.2.
Variant type: single nucleotide variant.
Coding change: c.1480G>T on transcript NM_178170.3 (MANE Select); coding-DNA position 1480, G replaced by T.
Protein change: p.Gly494Ter; replaces glycine 494 with a stop codon.
Molecular consequence: nonsense.
Genome position (GRCh38, 1-based): chr17:28,740,525, G>T. VCF-style: chr17-28740525-G-T. GRCh37 (hg19) VCF-style: chr17-27067543-G-T.
Other names: short protein forms G494*.
Identifiers: ClinVar variation 5005724 (VCV005005724.2).